The following is an entry in ClinVar:

ClinVar aggregate classification (germline): Benign/Likely benign. Review status: criteria provided, multiple submitters, no conflicts (2 of 4 stars). 3 submissions from 3 submitters: Benign (1); Likely benign (2). Last evaluated 2026-08-01.

Conditions:
Trichorhinophalangeal dysplasia type I (TRPS1). Also called: TRPS I; TRICHORHINOPHALANGEAL SYNDROME, TYPE I. Identifiers: Orphanet 77258, MedGen C0432233, MONDO:0008596, OMIM 190350.
Trichorhinophalangeal syndrome, type III (TRPS3). Also called: SUGIO-KAJII SYNDROME. Identifiers: Orphanet 77258, MedGen C1860823, OMIM 190351, MONDO:0008597.

Allele frequency attached by ClinVar (database versions not stated): ESP Exome Variant Server 0.00008; gnomAD 0.00035 and 0.00049; TOPMed 0.00045; 1000 Genomes Project 30x 0.00281; 1000 Genomes Project 0.00319.
gnomAD v4.1: 415 of 1,614,186 alleles (0.026%); highest among the groups gnomAD compares: East Asian, 0.59%; no homozygotes.

Submissions (3):

CeGaT Center for Human Genetics Tuebingen
Classification: Likely benign. Last evaluated: 2026-08-01. Review status: criteria provided, single submitter. Criteria: CeGaT Center For Human Genetics Tuebingen Variant Classification Criteria Version 2. Collection method: clinical testing. Allele origin: germline. Affected: yes. Observed: 1 variant allele.
Comment: TRPS1: BP4, BP7, BS1

Labcorp Genetics (formerly Invitae), Labcorp
Classification: Benign for Trichorhinophalangeal syndrome, type III; Trichorhinophalangeal dysplasia type I. Last evaluated: 2026-01-26. Review status: criteria provided, single submitter. Criteria: Invitae Variant Classification Sherloc (09022015). Collection method: clinical testing. Allele origin: germline.

Blueprint Genetics
Classification: Likely benign. Last evaluated: 2024-10-23. Review status: criteria provided, single submitter. Criteria: ACMG Guidelines, 2015. Collection method: clinical testing. Allele origin: germline.

NM_014112.5(TRPS1):c.2460C>T (p.Thr820=)

Gene: TRPS1 (transcriptional repressor GATA binding 1; minus strand). Cytogenetic location: 8q23.3.
Variant type: single nucleotide variant.
Coding change: c.2460C>T on transcript NM_014112.5 (MANE Select); coding-DNA position 2460, C replaced by T.
Protein change: p.Thr820=; no amino-acid change (threonine 820 retained).
Molecular consequence: synonymous variant.
Genome position (GRCh38, 1-based): chr8:115,587,241, G>A on the plus strand (C>T on the coding strand, the complement: TRPS1 is on the minus strand). VCF-style: chr8-115587241-G-A. GRCh37 (hg19) VCF-style: chr8-116599468-G-A.
Other names: c.2433C>T, p.Thr811= (NM_001282902.3); c.2439C>T, p.Thr813= (NM_001282903.3); c.2421C>T, p.Thr807= (NM_001330599.2).
Identifiers: ClinVar variation 361615 (VCV000361615.13), dbSNP rs373410728, ClinGen allele CA4851659.
Genomic context (GRCh38, chr8:115,587,241, plus strand): 5'-TAGAGTCTTTGTCTGCTCTTGGGTGCCAGACACAGGCGTCAGCAGCCCCAGGCTTGCTTG[G>A]GTGTATGACGGACTCCCCCGCAGGATGTCTGCCCCTCTCCAAGTCACATTGCGAAGGTCA-3'
Protein context (NP_054831.2, residues 810-830): ADILRGSPSY[Thr820=]QASLGLLTPV